The following is an entry in ClinVar:

NM_012330.4(KAT6B):c.3155G>C (p.Arg1052Pro)

Gene: KAT6B (lysine acetyltransferase 6B; plus strand). Cytogenetic location: 10q22.2.
Variant type: single nucleotide variant.
Coding change: c.3155G>C on transcript NM_012330.4 (MANE Select); coding-DNA position 3155, G replaced by C.
Protein change: p.Arg1052Pro; replaces arginine 1052 with proline.
Molecular consequence: missense variant.
Genome position (GRCh38, 1-based): chr10:75,022,014, G>C. VCF-style: chr10-75022014-G-C. GRCh37 (hg19) VCF-style: chr10-76781772-G-C.
Other names: c.2606G>C, p.Arg869Pro (NM_001256468.2, NM_001370138.1); c.2279G>C, p.Arg760Pro (NM_001256469.2, NM_001370139.1, NM_001370140.1 and 2 more transcripts); c.2117G>C, p.Arg706Pro (NM_001370132.1); c.1466G>C, p.Arg489Pro (NM_001370133.1); c.1070G>C, p.Arg357Pro (NM_001370134.1); c.812G>C, p.Arg271Pro (NM_001370135.1); c.3155G>C, p.Arg1052Pro (NM_001370136.1, NM_001370137.1); c.2090G>C, p.Arg697Pro (NM_001370143.1, NM_001370144.1); short protein forms R869P, R271P, R357P, R1052P, R489P, R697P, R760P, R706P.
Identifiers: ClinVar variation 2195803 (VCV002195803.5), dbSNP rs368055515, ClinGen allele CA5564739.

ClinVar aggregate classification (germline): Conflicting classifications of pathogenicity. Review status: criteria provided, conflicting classifications (1 of 4 stars). 2 submissions from 2 submitters: Uncertain significance (1); Likely benign (1). Last evaluated 2024-03-17.

Conditions:
Blepharophimosis - intellectual disability syndrome, SBBYS type (SBBYSS). Also called: Say-Barber-Biesecker variant of Ohdo syndrome (SBBYSS); Say-Barber-Biesecker-Young-Simpson variant of Ohdo Syndrome; Say-Barber-Biesecker Variant of Ohdo Syndrome; Young Simpson syndrome; Mental retardation unusual facies hypothyroidism; Ohdo syndrome, SBBYS variant. Identifiers: Orphanet 3047, MedGen C1863557, MONDO:0011365, OMIM 603736.
Genitopatellar syndrome (GTPTS). Also called: Genitopatellar syndrome (GPS); ABSENT PATELLAE, SCROTAL HYPOPLASIA, RENAL ANOMALIES, FACIAL DYSMORPHISM, AND MENTAL RETARDATION. Identifiers: Orphanet 85201, MedGen C1853566, MONDO:0011640, OMIM 606170.

Allele frequency attached by ClinVar (database versions not stated): gnomAD 0.00002; 1000 Genomes Project 0.00060; 1000 Genomes Project 30x 0.00062.
gnomAD v4.1: 13 of 1,614,040 alleles (0.00081%); highest among the groups gnomAD compares: East Asian, 0.016%; no homozygotes.

Submissions (2):

Fulgent Genetics
Classification: Likely benign for Blepharophimosis - intellectual disability syndrome, SBBYS type; Genitopatellar syndrome. Last evaluated: 2024-03-17. Review status: criteria provided, single submitter. Criteria: ACMG Guidelines, 2015. Collection method: clinical testing. Allele origin: germline.

Labcorp Genetics (formerly Invitae), Labcorp
Classification: Uncertain significance for Genitopatellar syndrome. Last evaluated: 2024-01-22. Review status: criteria provided, single submitter. Criteria: Invitae Variant Classification Sherloc (09022015). Collection method: clinical testing. Allele origin: germline.
Comment: This sequence change replaces arginine, which is basic and polar, with proline, which is neutral and non-polar, at codon 1052 of the KAT6B protein (p.Arg1052Pro). This variant is present in population databases (rs368055515, gnomAD 0.02%). This variant has not been reported in the literature in individuals affected with KAT6B-related conditions. ClinVar contains an entry for this variant (Variation ID: 2195803). Advanced modeling of protein sequence and biophysical properties (such as structural, functional, and spatial information, amino acid conservation, physicochemical variation, residue mobility, and thermodynamic stability) performed at Invitae indicates that this missense variant is not expected to disrupt KAT6B protein function with a negative predictive value of 80%. In summary, the available evidence is currently insufficient to determine the role of this variant in disease. Therefore, it has been classified as a Variant of Uncertain Significance.